The following is an entry in ClinVar:

ClinVar aggregate classification (germline): Uncertain significance. Review status: criteria provided, single submitter (1 of 4 stars). 2 submissions from 2 submitters: Uncertain significance (1). 1 of the submissions does not count toward it. Last evaluated 2025-03-17.

Conditions:
Congenital hyperammonemia, type I. Also called: Carbamoyl-phosphate synthase I deficiency; CPS I DEFICIENCY; Carbamoyl phosphate synthetase 1 deficiency; Hyperammonemia due to carbamoyl phosphate synthetase 1 deficiency; CPS 1 deficiency; Carbamyl phosphate synthetase (CPS) deficiency. Identifiers: Orphanet 147, MedGen C4082171, MONDO:0009376, OMIM 237300.

Allele frequency attached by ClinVar (database versions not stated): gnomAD exomes below 0.00001.
gnomAD v4.1: 1 of 1,612,160 alleles (0.000062%); highest among the groups gnomAD compares: Non-Finnish European, 0.000085%; no homozygotes.

Submissions (2):

Labcorp Genetics (formerly Invitae), Labcorp
Classification: Uncertain significance for Congenital hyperammonemia, type I. Last evaluated: 2025-03-17. Review status: criteria provided, single submitter. Criteria: Invitae Variant Classification Sherloc (09022015). Collection method: clinical testing. Allele origin: germline.
Comment: This sequence change replaces methionine, which is neutral and non-polar, with threonine, which is neutral and polar, at codon 650 of the CPS1 protein (p.Met650Thr). This variant is not present in population databases (gnomAD no frequency). This variant has not been reported in the literature in individuals affected with CPS1-related conditions. ClinVar contains an entry for this variant (Variation ID: 954370). Invitae Evidence Modeling of protein sequence and biophysical properties (such as structural, functional, and spatial information, amino acid conservation, physicochemical variation, residue mobility, and thermodynamic stability) indicates that this missense variant is expected to disrupt CPS1 protein function with a positive predictive value of 80%. In summary, the available evidence is currently insufficient to determine the role of this variant in disease. Therefore, it has been classified as a Variant of Uncertain Significance.

Natera, Inc.
Classification: Uncertain significance for Carbamoyl-phosphate synthase I deficiency. Last evaluated: 2021-04-05. Review status: no assertion criteria provided. Collection method: clinical testing. Allele origin: germline. Not counted in ClinVar's aggregate classification.

NM_001875.5(CPS1):c.1949T>C (p.Met650Thr)

Gene: CPS1 (carbamoyl-phosphate synthase 1; plus strand). Cytogenetic location: 2q34.
Variant type: single nucleotide variant.
Coding change: c.1949T>C on transcript NM_001875.5 (MANE Select); coding-DNA position 1949, T replaced by C.
Protein change: p.Met650Thr; replaces methionine 650 with threonine.
Molecular consequence: missense variant. On other transcripts: non-coding transcript variant (2).
Genome position (GRCh38, 1-based): chr2:210,605,214, T>C. VCF-style: chr2-210605214-T-C. GRCh37 (hg19) VCF-style: chr2-211469938-T-C.
Other names: c.1949T>C, p.Met650Thr (NM_001122633.3, NM_001369257.1); c.1982T>C, p.Met661Thr (NM_001369256.1); short protein forms M650T, M661T.
Identifiers: ClinVar variation 954370 (VCV000954370.11), dbSNP rs1698865403, ClinGen allele CA350438111.
Genomic context (GRCh38, chr2:210,605,214, plus strand): 5'-AAGAAATAGAATATGAAGTGGTTCGAGATGCTGATGACAATTGTGTCACTGTCTGTAACA[T>C]GGAAAATGTTGATGCCATGGGTGTTCACACAGGTAGGCAAAGTATCTTCAAGAACTATAG-3'
Protein context (NP_001866.2, residues 640-660): ADDNCVTVCN[Met650Thr]ENVDAMGVHT